The following is an entry in ClinVar:

NM_201384.3(PLEC):c.13263C>T (p.Thr4421=)

Gene: PLEC (plectin; minus strand). Cytogenetic location: 8q24.3.
Variant type: single nucleotide variant.
Coding change: c.13263C>T on transcript NM_201384.3 (MANE Select); coding-DNA position 13263, C replaced by T.
Protein change: p.Thr4421=; no amino-acid change (threonine 4421 retained).
Molecular consequence: synonymous variant.
Genome position (GRCh38, 1-based): chr8:143,916,558, G>A on the plus strand (C>T on the coding strand, the complement: PLEC is on the minus strand). VCF-style: chr8-143916558-G-A. GRCh37 (hg19) VCF-style: chr8-144990726-G-A.
Other names: c.13344C>T, p.Thr4448= (NM_000445.5); c.13221C>T, p.Thr4407= (NM_201378.4); c.13197C>T, p.Thr4399= (NM_201379.3); c.13674C>T, p.Thr4558= (NM_201380.4); c.13167C>T, p.Thr4389= (NM_201381.3); c.13263C>T, p.Thr4421= (NM_201382.4); c.13275C>T, p.Thr4425= (NM_201383.3).
Identifiers: ClinVar variation 487241 (VCV000487241.21), dbSNP rs369202116, ClinGen allele CA4923860.
Genomic context (GRCh38, chr8:143,916,558, plus strand): 5'-CTTGGTCTTAGGGCAGGTGAGGTACTTGGAGTAGGCGCCCACGTCACGCAGCTTCTGTGC[G>A]GTGCGGGCGTCCACCGTGCCGCGCTGCAGGGCCTCGTCCAGGGGCACGCGGCCCGGCGTG-3'
Protein context (NP_958786.1, residues 4411-4431): ALQRGTVDAR[Thr4421=]AQKLRDVGAY

ClinVar aggregate classification (germline): Likely benign. Review status: criteria provided, multiple submitters, no conflicts (2 of 4 stars). 4 submissions from 4 submitters: Likely benign (3). 1 of the submissions does not count toward it. Last evaluated 2025-11-18.

Conditions:
Epidermolysis bullosa simplex 5C, with pyloric atresia (EBS5C). Also called: PLEC-Related Epidermolysis Bullosa with Pyloric Atresia; Epidermolysis bullosa simplex with pyloric atresia; PLEC1-Related Epidermolysis Bullosa with Pyloric Atresia. Identifiers: Orphanet 158684, MedGen C2677349, MONDO:0012807, OMIM 612138.
Epidermolysis bullosa simplex 5B, with muscular dystrophy (EBS5B). Also called: EPIDERMOLYSIS BULLOSA SIMPLEX AND LIMB-GIRDLE MUSCULAR DYSTROPHY; Epidermolysis bullosa simplex with muscular dystrophy. Identifiers: Orphanet 257, MedGen C2931072, MONDO:0009181, OMIM 226670.
Autosomal recessive limb-girdle muscular dystrophy type 2Q (LGMDR17). Also called: MUSCULAR DYSTROPHY, LIMB-GIRDLE, AUTOSOMAL RECESSIVE 17. Identifiers: Orphanet 254361, MedGen C3150989, MONDO:0013390, OMIM 613723.
Epidermolysis bullosa simplex with nail dystrophy (EBS5D). Identifiers: MedGen C4225309, MONDO:0014661, OMIM 616487.
Epidermolysis bullosa simplex, Ogna type (EBS5A). Also called: Pidermolysis bullosa simplex 5A, Ogna type; EPIDERMOLYSIS BULLOSA SIMPLEX 5A, OGNA TYPE. Identifiers: Orphanet 79401, MedGen C0432317, MONDO:0007555, OMIM 131950.
PLEC-related disorder. Also called: PLEC-related disorders; PLEC-related condition.

Allele frequency attached by ClinVar (database versions not stated): gnomAD 0.00003; TOPMed 0.00008; ESP Exome Variant Server 0.00024.

Submissions (4):

Labcorp Genetics (formerly Invitae), Labcorp
Classification: Likely benign for Autosomal recessive limb-girdle muscular dystrophy type 2Q; Epidermolysis bullosa simplex, Ogna type; Epidermolysis bullosa simplex with nail dystrophy; Epidermolysis bullosa simplex 5C, with pyloric atresia; Epidermolysis bullosa simplex 5B, with muscular dystrophy. Last evaluated: 2025-11-18. Review status: criteria provided, single submitter. Criteria: Invitae Variant Classification Sherloc (09022015). Collection method: clinical testing. Allele origin: germline.

CeGaT Center for Human Genetics Tuebingen
Classification: Likely benign. Last evaluated: 2025-09-01. Review status: criteria provided, single submitter. Criteria: CeGaT Center For Human Genetics Tuebingen Variant Classification Criteria Version 2. Collection method: clinical testing. Allele origin: germline. Affected: yes. Observed: 1 variant allele.
Comment: PLEC: BP4, BP7

GeneDx
Classification: Likely benign. Last evaluated: 2018-03-08. Review status: criteria provided, single submitter. Criteria: GeneDx Variant Classification (06012015). Collection method: clinical testing. Allele origin: germline. Affected: yes.
Comment: This variant is considered likely benign or benign based on one or more of the following criteria: it is a conservative change, it occurs at a poorly conserved position in the protein, it is predicted to be benign by multiple in silico algorithms, and/or has population frequency not consistent with disease.

PreventionGenetics, part of Exact Sciences
Classification: Likely benign for PLEC-related condition. Last evaluated: 2023-05-10. Review status: no assertion criteria provided. Collection method: clinical testing. Allele origin: germline. Not counted in ClinVar's aggregate classification.
Comment: This variant is classified as likely benign based on ACMG/AMP sequence variant interpretation guidelines (Richards et al. 2015 PMID: 25741868, with internal and published modifications).